The following is an entry in ClinVar:

NM_006612.6(KIF1C):c.1619G>A (p.Arg540Gln)

Gene: KIF1C (kinesin family member 1C; plus strand). Cytogenetic location: 17p13.2.
Variant type: single nucleotide variant.
Coding change: c.1619G>A on transcript NM_006612.6 (MANE Select); coding-DNA position 1619, G replaced by A.
Protein change: p.Arg540Gln; replaces arginine 540 with glutamine.
Molecular consequence: missense variant.
Genome position (GRCh38, 1-based): chr17:5,014,790, G>A. VCF-style: chr17-5014790-G-A. GRCh37 (hg19) VCF-style: chr17-4918085-G-A.
Other names: c.1619G>A (NM_006612.5); short protein forms R540Q.
Identifiers: ClinVar variation 1430589 (VCV001430589.9), dbSNP rs1013580197, ClinGen allele CA287180398.

ClinVar aggregate classification (germline): Uncertain significance. Review status: criteria provided, multiple submitters, no conflicts (2 of 4 stars). 2 submissions from 2 submitters: Uncertain significance (2). Last evaluated 2026-05-20.

Conditions:
Spastic ataxia 2. Also called: Ataxia, spastic, 2, autosomal recessive. Identifiers: Orphanet 397946, MedGen C1969796, MONDO:0012651, OMIM 611302.
Inborn genetic diseases. Identifiers: MedGen C0950123, MeSH D030342.

Allele frequency attached by ClinVar (database versions not stated): TOPMed below 0.00001; gnomAD exomes below 0.00001.
gnomAD v4.1: 9 of 1,602,530 alleles (0.00056%); highest among the groups gnomAD compares: Non-Finnish European, 0.00051%; no homozygotes.

Submissions (2):

Ambry Genetics
Classification: Uncertain significance for Inborn genetic diseases. Last evaluated: 2026-05-20. Review status: criteria provided, single submitter. Criteria: Ambry Variant Classification Scheme 2023. Collection method: clinical testing. Allele origin: germline.
Comment: The c.1619G>A (p.R540Q) alteration is located in exon 18 (coding exon 16) of the KIF1C gene. This alteration results from a G to A substitution at nucleotide position 1619, causing the arginine (R) at amino acid position 540 to be replaced by a glutamine (Q). Based on data from gnomAD, the A allele has an overall frequency of <0.001% (1/232144) total alleles studied. The highest observed frequency was 0.001% (1/105266) of European (non-Finnish) alleles. Based on insufficient or conflicting evidence, the clinical significance of this alteration remains unclear.

Labcorp Genetics (formerly Invitae), Labcorp
Classification: Uncertain significance for Spastic ataxia 2. Last evaluated: 2021-05-12. Review status: criteria provided, single submitter. Criteria: Invitae Variant Classification Sherloc (09022015). Collection method: clinical testing. Allele origin: germline.
Comment: In summary, the available evidence is currently insufficient to determine the role of this variant in disease. Therefore, it has been classified as a Variant of Uncertain Significance. Algorithms developed to predict the effect of missense changes on protein structure and function output the following: SIFT: "Deleterious"; PolyPhen-2: "Benign"; Align-GVGD: "Class C0". The glutamine amino acid residue is found in multiple mammalian species, suggesting that this missense change does not adversely affect protein function. These predictions have not been confirmed by published functional studies and their clinical significance is uncertain. This variant has not been reported in the literature in individuals with KIF1C-related conditions. This variant is not present in population databases (ExAC no frequency). This sequence change replaces arginine with glutamine at codon 540 of the KIF1C protein (p.Arg540Gln). The arginine residue is highly conserved and there is a small physicochemical difference between arginine and glutamine.